The following is an entry in ClinVar:

NM_001369268.1(ACAN):c.688_697del (p.Val230fs)

Gene: ACAN (aggrecan; plus strand). Cytogenetic location: 15q26.1.
Variant type: Deletion.
Coding change: c.688_697del on transcript NM_001369268.1 (MANE Select); coding-DNA positions 688 to 697, 10 bases deleted (GTGAGGACGT; older notation c.688_697delGTGAGGACGT).
Protein change: p.Val230fs; shifts the reading frame from valine 230.
Molecular consequence: frameshift variant.
Genome position (GRCh38, 1-based): chr15:88,841,798-88,841,807, GTGAGGACGT deleted; deleting any 10 consecutive bases within chr15:88,841,796-88,841,807 gives the same sequence; the c. name uses the placement nearest the transcript's 3' end. VCF-style (leftmost placement, unchanged base first): chr15-88841795-GGTGTGAGGAC-G. GRCh37 (hg19) VCF-style: chr15-89385026-GGTGTGAGGAC-G.
Other names: c.688_697del, p.Val230fs (NM_001135.4, NM_001411096.1, NM_001411097.1 and 1 more transcripts); short protein forms V230fs.
Identifiers: ClinVar variation 3729741 (VCV003729741.2).
Genomic context (GRCh38, chr15:88,841,795, plus strand): 5'-GGCAGATACCCCATCCACACTCCCCGGGAAGGCTGCTATGGAGACAAGGATGAGTTTCCT[GGTGTGAGGAC>G]GTATGGCATCCGAGACACCAACGAGACCTATGATGTGTACTGCTTCGCCGAGGAGATGGA-3'

ClinVar aggregate classification (germline): Pathogenic (1 of 4 stars; one submission).

Submission:

Labcorp Genetics (formerly Invitae), Labcorp
Classification: Pathogenic. Last evaluated: 2025-01-29. Review status: criteria provided, single submitter. Criteria: Invitae Variant Classification Sherloc (09022015). Collection method: clinical testing. Allele origin: germline.
Comment: This sequence change creates a premature translational stop signal (p.Val230Metfs*93) in the ACAN gene. It is expected to result in an absent or disrupted protein product. Loss-of-function variants in ACAN are known to be pathogenic (PMID: 16080123, 24762113). This variant is not present in population databases (gnomAD no frequency). This variant has not been reported in the literature in individuals affected with ACAN-related conditions. For these reasons, this variant has been classified as Pathogenic.

Literature cited by the submitters: PubMed 16080123; PubMed 24762113.